The following is an entry in ClinVar:

NM_001378615.1(CC2D2A):c.3433C>T (p.Gln1145Ter)

Genes: CC2D2A (coiled-coil and C2 domain containing 2A; plus strand), FBXL5 (F-box and leucine rich repeat protein 5; minus strand). Cytogenetic location: 4p15.32.
Variant type: single nucleotide variant.
Coding change: c.3433C>T on transcript NM_001378615.1 (MANE Select); coding-DNA position 3433, C replaced by T.
Protein change: p.Gln1145Ter; replaces glutamine 1145 with a stop codon.
Molecular consequence: nonsense.
Genome position (GRCh38, 1-based): chr4:15,569,327, C>T. VCF-style: chr4-15569327-C-T. GRCh37 (hg19) VCF-style: chr4-15570950-C-T.
Other names: c.3433C>T, p.Gln1145Ter (NM_001080522.2); c.3286C>T, p.Gln1096Ter (NM_001378617.1); short protein forms Q1096*, Q1145*.
Identifiers: ClinVar variation 4814217 (VCV004814217.1).

ClinVar aggregate classification (germline): Likely pathogenic (1 of 4 stars; one submission).

Conditions:
CC2D2A-related disorder. Also called: CC2D2A-related disorders; CC2D2A-related condition. Identifiers: MedGen CN239313.

Submission:

Rady Children's Institute for Genomic Medicine, Rady Children's Hospital San Diego
Classification: Likely pathogenic for CC2D2A-related disorders. Last evaluated: 2025-06-26. Review status: criteria provided, single submitter. Criteria: ACMG Guidelines, 2015. Collection method: clinical testing. Allele origin: germline. Affected: yes.
Comment: This nonsense variant found in exon 27 of 37 is predicted to result in loss of normal protein function through either protein truncation or nonsense-mediated mRNA decay. Loss-of-function variation in CC2D2A is an established mechanism of disease (PMID: 19777577). This variant has not been previously reported or functionally characterized in the literature to our knowledge. The c.3433C>T (p.Gln1145Ter) variant is absent from the latest version of the gnomAD population database and thus is presumed to be rare. Based on the available evidence, c.3433C>T (p.Gln1145Ter) is classified as Likely Pathogenic.

Literature cited by the submitters: PubMed 19777577.